The following is an entry in ClinVar:

ClinVar aggregate classification (germline): Uncertain significance (1 of 4 stars; one submission).

Conditions:
BDNF-related disorder. Also called: BDNF-related condition.

gnomAD v4.1: 2 of 1,611,380 alleles (0.00012%); highest among the groups gnomAD compares: South Asian, 0.0011%; no homozygotes.

Submission:

PreventionGenetics, part of Exact Sciences
Classification: Uncertain significance for BDNF-related condition. Last evaluated: 2026-02-04. Review status: criteria provided, single submitter. Criteria: ACMG Guidelines, 2015. Collection method: clinical testing. Allele origin: germline.
Comment: The BDNF c.184G>A variant is predicted to result in the amino acid substitution p.Val62Met. To our knowledge, this variant has not been reported in the literature or in a large population database (gnomAD), indicating this variant is rare. At this time, the clinical significance of this variant is uncertain due to the absence of conclusive functional and genetic evidence.

NM_001709.5(BDNF):c.-21-15516G>A

Genes: BDNF-AS (BDNF antisense RNA; plus strand), BDNF (brain derived neurotrophic factor; minus strand). Cytogenetic location: 11p14.1.
Variant type: single nucleotide variant.
Coding change: c.-21-15516G>A on transcript NM_001709.5 (MANE Select); 15516 bases into the intron before 21 bases upstream of the start codon, G replaced by A.
Molecular consequence: intron variant. On other transcripts: missense variant (1), 5 prime UTR variant (1).
Genome position (GRCh38, 1-based): chr11:27,674,101, C>T on the plus strand (G>A on the coding strand, the complement: BDNF is on the minus strand). VCF-style: chr11-27674101-C-T. GRCh37 (hg19) VCF-style: chr11-27695648-C-T.
Other names: c.184G>A, p.Val62Met (NM_001143810.2); c.-180G>A (NM_001143811.2); c.4-15516G>A (NM_170731.5); c.-21-15516G>A (NM_001143805.1, NM_001143806.1, NM_170732.4 and 5 more transcripts); c.67-15516G>A (NM_001143809.2); c.-128-15175G>A (NM_001143814.2); c.25-15516G>A (NM_170734.4); short protein forms V62M.
Identifiers: ClinVar variation 4989996 (VCV004989996.1).